The following is an entry in ClinVar:

NM_003560.4(PLA2G6):c.440C>T (p.Ala147Val)

Gene: PLA2G6 (phospholipase A2 group VI; minus strand). Cytogenetic location: 22q13.1.
Variant type: single nucleotide variant.
Coding change: c.440C>T on transcript NM_003560.4 (MANE Select); coding-DNA position 440, C replaced by T.
Protein change: p.Ala147Val; replaces alanine 147 with valine.
Molecular consequence: missense variant. On other transcripts: 5 prime UTR variant (3).
Genome position (GRCh38, 1-based): chr22:38,143,274, G>A on the plus strand (C>T on the coding strand, the complement: PLA2G6 is on the minus strand). VCF-style: chr22-38143274-G-A. GRCh37 (hg19) VCF-style: chr22-38539281-G-A.
Other names: c.440C>T, p.Ala147Val (NM_001004426.3, NM_001199562.3, NM_001349864.2 and 2 more transcripts); c.-95C>T (NM_001349867.2, NM_001349869.2); c.-51C>T (NM_001349868.2); short protein forms A147V.
Identifiers: ClinVar variation 1506402 (VCV001506402.5), dbSNP rs778963560, ClinGen allele CA10231250.

ClinVar aggregate classification (germline): Uncertain significance (1 of 4 stars; one submission).

Conditions:
Infantile neuroaxonal dystrophy (NBIA2A). Also called: NEURODEGENERATION WITH BRAIN IRON ACCUMULATION 2A; SEITELBERGER DISEASE; Infantile neuroaxonal dystrophy 1. Identifiers: Orphanet 35069, MedGen C0270724, MONDO:0024457, OMIM 256600.

Allele frequency attached by ClinVar (database versions not stated): TOPMed below 0.00001; ExAC 0.00001; gnomAD exomes 0.00002.
gnomAD v4.1: 28 of 1,612,406 alleles (0.0017%); highest among the groups gnomAD compares: South Asian, 0.0022%; no homozygotes.

Submission:

Labcorp Genetics (formerly Invitae), Labcorp
Classification: Uncertain significance for Infantile neuroaxonal dystrophy. Last evaluated: 2021-12-02. Review status: criteria provided, single submitter. Criteria: Invitae Variant Classification Sherloc (09022015). Collection method: clinical testing. Allele origin: germline.
Comment: This sequence change replaces alanine, which is neutral and non-polar, with valine, which is neutral and non-polar, at codon 147 of the PLA2G6 protein (p.Ala147Val). This variant is present in population databases (rs778963560, gnomAD 0.006%). This variant has not been reported in the literature in individuals affected with PLA2G6-related conditions. Advanced modeling of protein sequence and biophysical properties (such as structural, functional, and spatial information, amino acid conservation, physicochemical variation, residue mobility, and thermodynamic stability) performed at Invitae indicates that this missense variant is not expected to disrupt PLA2G6 protein function. In summary, the available evidence is currently insufficient to determine the role of this variant in disease. Therefore, it has been classified as a Variant of Uncertain Significance.